The following is an entry in ClinVar:

NM_021830.5(TWNK):c.1244-14C>T

Gene: TWNK (twinkle mtDNA helicase; plus strand). Cytogenetic location: 10q24.31.
Variant type: single nucleotide variant.
Coding change: c.1244-14C>T on transcript NM_021830.5 (MANE Select); 14 bases into the intron before coding-DNA position 1244, C replaced by T.
Molecular consequence: intron variant.
Genome position (GRCh38, 1-based): chr10:100,989,630, C>T. VCF-style: chr10-100989630-C-T. GRCh37 (hg19) VCF-style: chr10-102749387-C-T.
Other names: c.1244-14C>T (NM_001163812.2); c.-119-14C>T (NM_001163814.2, NM_001163813.2); c.-57-76C>T (NM_001368275.1).
Identifiers: ClinVar variation 507889 (VCV000507889.7), dbSNP rs758757135, ClinGen allele CA5653201.

ClinVar aggregate classification (germline): Conflicting classifications of pathogenicity. Review status: criteria provided, conflicting classifications (1 of 4 stars). 6 submissions from 3 submitters: Uncertain significance (2); Benign (2); Likely benign (2). Last evaluated 2024-06-09.

Conditions:
Autosomal recessive cerebellar ataxia. Also called: Spinocerebellar ataxia, autosomal recessive; Spinocerebellar Ataxia, Recessive. Identifiers: Orphanet 1172, MedGen C5575375, MONDO:0015244.
Infantile onset spinocerebellar ataxia (MTDPS7). Also called: OHAHA SYNDROME; SPINOCEREBELLAR ATAXIA, INFANTILE, WITH SENSORY NEUROPATHY; Mitochondrial DNA depletion syndrome 7 (hepatocerebral type); OPHTHALMOPLEGIA, HYPOTONIA, ATAXIA, HYPOACUSIS, AND ATHETOSIS. Identifiers: Orphanet 1186, MedGen C1849096, MONDO:0010060, OMIM 271245.
Progressive external ophthalmoplegia with mitochondrial DNA deletions, autosomal dominant 3. Also called: PROGRESSIVE EXTERNAL OPHTHALMOPLEGIA, AUTOSOMAL DOMINANT 3. Identifiers: MedGen C1836439, MONDO:0012241, OMIM 609286.
Sensory ataxic neuropathy, dysarthria, and ophthalmoparesis (SANDO). Also called: SENSORY ATAXIC NEUROPATHY WITH MITOCHONDRIAL DNA DELETIONS, AUTOSOMAL RECESSIVE; Ataxia Neuropathy Spectrum (ANS); Sensory ataxic neuropathy-dysarthria-ophthalmoparesis syndrome; Epilepsy, progressive myoclonic, type 5. Identifiers: Orphanet 70595, MedGen C1843851, MONDO:0011835, OMIM 607459.

Allele frequency attached by ClinVar (database versions not stated): gnomAD 0.00001; TOPMed 0.00001; ExAC 0.00002; gnomAD exomes 0.00005.
gnomAD v4.1: 34 of 1,613,804 alleles (0.0021%); highest among the groups gnomAD compares: East Asian, 0.074%; no homozygotes.

Submissions (6):

Labcorp Genetics (formerly Invitae), Labcorp
Classification: Likely benign. Last evaluated: 2024-06-09. Review status: criteria provided, single submitter. Criteria: Invitae Variant Classification Sherloc (09022015). Collection method: clinical testing. Allele origin: germline.

Illumina Laboratory Services, Illumina
Classification: Uncertain significance for Infantile onset spinocerebellar ataxia. Last evaluated: 2018-03-23. Review status: criteria provided, single submitter. Criteria: ICSL Variant Classification Criteria 13 December 2019. Collection method: clinical testing. Allele origin: germline.

Illumina Laboratory Services, Illumina
Classification: Uncertain significance for Autosomal recessive cerebellar ataxia. Last evaluated: 2018-03-23. Review status: criteria provided, single submitter. Criteria: ICSL Variant Classification Criteria 13 December 2019. Collection method: clinical testing. Allele origin: germline.

Illumina Laboratory Services, Illumina
Classification: Benign for Progressive external ophthalmoplegia with mitochondrial DNA deletions, autosomal dominant 3. Last evaluated: 2018-03-20. Review status: criteria provided, single submitter. Criteria: ICSL Variant Classification Criteria 13 December 2019. Collection method: clinical testing. Allele origin: germline.
Comment: This variant was observed in the ICSL laboratory as part of a predisposition screen in an ostensibly healthy population. It had not been previously curated by ICSL or reported in the Human Gene Mutation Database (HGMD: prior to June 1st, 2018), and was therefore a candidate for classification through an automated scoring system. Utilizing variant allele frequency, disease prevalence and penetrance estimates, and inheritance mode, an automated score was calculated to assess if this variant is too frequent to cause the disease. Based on the score and internal cut-off values, a variant classified as benign is not then subjected to further curation. The score for this variant resulted in a classification of benign for this disease.

Illumina Laboratory Services, Illumina
Classification: Benign for Sensory ataxic neuropathy-dysarthria-ophthalmoparesis syndrome. Last evaluated: 2018-03-20. Review status: criteria provided, single submitter. Criteria: ICSL Variant Classification Criteria 13 December 2019. Collection method: clinical testing. Allele origin: germline.
Comment: the same text as in the submission from Illumina Laboratory Services, Illumina above.

GeneDx
Classification: Likely benign. Last evaluated: 2017-03-14. Review status: criteria provided, single submitter. Criteria: GeneDx Variant Classification (06012015). Collection method: clinical testing. Allele origin: germline. Affected: yes.
Comment: This variant is considered likely benign or benign based on one or more of the following criteria: it is a conservative change, it occurs at a poorly conserved position in the protein, it is predicted to be benign by multiple in silico algorithms, and/or has population frequency not consistent with disease.